The following is an entry in ClinVar:

NM_006662.3(SRCAP):c.8909C>A (p.Pro2970Gln)

Gene: SRCAP (Snf2 related CREBBP activator protein; plus strand). Cytogenetic location: 16p11.2.
Variant type: single nucleotide variant.
Coding change: c.8909C>A on transcript NM_006662.3 (MANE Select); coding-DNA position 8909, C replaced by A.
Protein change: p.Pro2970Gln; replaces proline 2970 with glutamine.
Molecular consequence: missense variant.
Genome position (GRCh38, 1-based): chr16:30,738,949, C>A. VCF-style: chr16-30738949-C-A. GRCh37 (hg19) VCF-style: chr16-30750270-C-A.
Other names: short protein forms P2970Q.
Identifiers: ClinVar variation 2873947 (VCV002873947.3), dbSNP rs1243927741, ClinGen allele CA395641792.

ClinVar aggregate classification (germline): Uncertain significance (1 of 4 stars; one submission).

gnomAD v4.1: 3 of 1,613,854 alleles (0.00019%); no homozygotes.

Submission:

Labcorp Genetics (formerly Invitae), Labcorp
Classification: Uncertain significance. Last evaluated: 2023-10-23. Review status: criteria provided, single submitter. Criteria: Invitae Variant Classification Sherloc (09022015). Collection method: clinical testing. Allele origin: germline.
Comment: This sequence change replaces proline, which is neutral and non-polar, with glutamine, which is neutral and polar, at codon 2970 of the SRCAP protein (p.Pro2970Gln). This variant is not present in population databases (gnomAD no frequency). This variant has not been reported in the literature in individuals affected with SRCAP-related conditions. Advanced modeling of protein sequence and biophysical properties (such as structural, functional, and spatial information, amino acid conservation, physicochemical variation, residue mobility, and thermodynamic stability) performed at Invitae indicates that this missense variant is not expected to disrupt SRCAP protein function with a negative predictive value of 80%. In summary, the available evidence is currently insufficient to determine the role of this variant in disease. Therefore, it has been classified as a Variant of Uncertain Significance.